The following is an entry in ClinVar:

ClinVar aggregate classification (germline): Uncertain significance. Review status: criteria provided, multiple submitters, no conflicts (2 of 4 stars). 2 submissions from 2 submitters: Uncertain significance (2). Last evaluated 2025-12-03.

Conditions:
Cardiovascular phenotype. Identifiers: MedGen CN230736.

gnomAD v4.1: 7 of 1,613,944 alleles (0.00043%); highest among the groups gnomAD compares: Non-Finnish European, 0.00051%; no homozygotes.

Submissions (2):

Women's Health and Genetics/Laboratory Corporation of America, LabCorp
Classification: Uncertain significance. Last evaluated: 2025-12-03. Review status: criteria provided, single submitter. Criteria: LabCorp Variant Classification Summary - May 2015. Collection method: clinical testing. Allele origin: germline.
Comment: Variant summary: PRDM5 c.592G>C (p.Glu198Gln) results in a conservative amino acid change in the encoded protein sequence. Algorithms developed to predict the effect of missense changes on protein structure and function are either unavailable or do not agree on the potential impact of this missense change. The variant was absent in 251282 control chromosomes. The available data on variant occurrences in the general population are insufficient to allow any conclusion about variant significance. To our knowledge, no occurrence of c.592G>C in individuals affected with PRDM5-related conditions and no experimental evidence demonstrating its impact on protein function have been reported. ClinVar contains an entry for this variant (Variation ID: 347448). Based on the evidence outlined above, the variant was classified as uncertain significance.

Ambry Genetics
Classification: Uncertain significance for Cardiovascular phenotype. Last evaluated: 2024-12-09. Review status: criteria provided, single submitter. Criteria: Ambry Variant Classification Scheme 2023. Collection method: clinical testing. Allele origin: germline.
Comment: The p.E198Q variant (also known as c.592G>C), located in coding exon 5 of the PRDM5 gene, results from a G to C substitution at nucleotide position 592. The glutamic acid at codon 198 is replaced by glutamine, an amino acid with highly similar properties. This amino acid position is conserved. In addition, this alteration is predicted to be tolerated by in silico analysis. Since supporting evidence is limited at this time, the clinical significance of this alteration remains unclear.

NM_018699.4(PRDM5):c.592G>C (p.Glu198Gln)

Gene: PRDM5 (PR/SET domain 5; minus strand). Cytogenetic location: 4q27.
Variant type: single nucleotide variant.
Coding change: c.592G>C on transcript NM_018699.4 (MANE Select); coding-DNA position 592, G replaced by C.
Protein change: p.Glu198Gln; replaces glutamic acid 198 with glutamine.
Molecular consequence: missense variant.
Genome position (GRCh38, 1-based): chr4:120,818,411, C>G on the plus strand (G>C on the coding strand, the complement: PRDM5 is on the minus strand). VCF-style: chr4-120818411-C-G. GRCh37 (hg19) VCF-style: chr4-121739566-C-G.
Other names: c.592G>C, p.Glu198Gln (NM_001300823.2, NM_001300824.2, NM_001379104.1 and 1 more transcripts); short protein forms E198Q.
Identifiers: ClinVar variation 347448 (VCV000347448.9), dbSNP rs886059043, ClinGen allele CA10617873.
Genomic context (GRCh38, chr4:120,818,411, plus strand): 5'-ACTGTCTTTGCAAAGCCTGCTTAACTGGGAATTTCTTCCCACAGTTCTTGCACTTAAATT[C>G]TTTCTCCTCTGTGGGTTTCTGGTGCAATGTCTGGAGATGCTCAGCAAGAATATCCTCACT-3'
Protein context (NP_061169.2, residues 188-208): TLHQKPTEEK[Glu198Gln]FKCKNCGKKF